The following is an entry in ClinVar:

ClinVar aggregate classification (germline): Uncertain significance (1 of 4 stars; one submission).

Conditions:
Fetal akinesia deformation sequence 1 (FADS1). Also called: Fetal akinesia sequence; Pena-Shokeir syndrome type I. Identifiers: Orphanet 994, MedGen C1276035, MONDO:0100101, OMIM 208150, HP:0001989.
Congenital myasthenic syndrome 11. Also called: MYASTHENIC SYNDROME, CONGENITAL, Ie; Myasthenic syndrome, congenital, 11, associated with acetylcholine receptor deficiency. Identifiers: Orphanet 590, MedGen C4225367, MONDO:0014588, OMIM 616326.

Submission:

Labcorp Genetics (formerly Invitae), Labcorp
Classification: Uncertain significance for Congenital myasthenic syndrome 11; Fetal akinesia deformation sequence 1. Last evaluated: 2021-12-13. Review status: criteria provided, single submitter. Criteria: Invitae Variant Classification Sherloc (09022015). Collection method: clinical testing. Allele origin: germline.
Comment: This sequence change replaces leucine, which is neutral and non-polar, with valine, which is neutral and non-polar, at codon 262 of the RAPSN protein (p.Leu262Val). This variant is not present in population databases (gnomAD no frequency). This variant has not been reported in the literature in individuals affected with RAPSN-related conditions. Algorithms developed to predict the effect of missense changes on protein structure and function (SIFT, PolyPhen-2, Align-GVGD) all suggest that this variant is likely to be tolerated. In summary, the available evidence is currently insufficient to determine the role of this variant in disease. Therefore, it has been classified as a Variant of Uncertain Significance.

NM_005055.5(RAPSN):c.784C>G (p.Leu262Val)

Gene: RAPSN (receptor associated protein of the synapse; minus strand). Cytogenetic location: 11p11.2.
Variant type: single nucleotide variant.
Coding change: c.784C>G on transcript NM_005055.5 (MANE Select); coding-DNA position 784, C replaced by G.
Protein change: p.Leu262Val; replaces leucine 262 with valine.
Molecular consequence: missense variant.
Genome position (GRCh38, 1-based): chr11:47,441,828, G>C on the plus strand (C>G on the coding strand, the complement: RAPSN is on the minus strand). VCF-style: chr11-47441828-G-C. GRCh37 (hg19) VCF-style: chr11-47463380-G-C.
Other names: c.784C>G, p.Leu262Val (NM_032645.5); short protein forms L262V.
Identifiers: ClinVar variation 2041684 (VCV002041684.4), dbSNP rs938477956, ClinGen allele CA380329916.